The following is an entry in ClinVar:

ClinVar aggregate classification (germline): Uncertain significance. Review status: criteria provided, single submitter (1 of 4 stars). 2 submissions from 2 submitters: Uncertain significance (1). 1 of the submissions does not count toward it. Last evaluated 2024-08-11.

Conditions:
Charcot-Marie-Tooth disease. Also called: Charcot-Marie-Tooth Hereditary Neuropathy; Charcot-Marie-Tooth Neuropathy. Identifiers: Orphanet 166, MedGen C0007959, MONDO:0015626.
Hereditary sensory and autonomic neuropathy type 7. Also called: HSAN VII; Neuropathy, hereditary sensory and autonomic, type VII. Identifiers: Orphanet 391397, MedGen C3809882, MONDO:0014244, OMIM 615548.
Familial episodic pain syndrome with predominantly lower limb involvement. Also called: Episodic pain syndrome, familial, 3. Identifiers: Orphanet 391384, Orphanet 391392, MedGen C3809899, MONDO:0014247, OMIM 615552.

Allele frequency attached by ClinVar (database versions not stated): gnomAD exomes 0.00001.
gnomAD v4.1: 11 of 1,614,198 alleles (0.00068%); highest among the groups gnomAD compares: South Asian, 0.0011%; no homozygotes.

Submissions (2):

Labcorp Genetics (formerly Invitae), Labcorp
Classification: Uncertain significance for Familial episodic pain syndrome with predominantly lower limb involvement; Hereditary sensory and autonomic neuropathy type 7. Last evaluated: 2024-08-11. Review status: criteria provided, single submitter. Criteria: Invitae Variant Classification Sherloc (09022015). Collection method: clinical testing. Allele origin: germline.
Comment: This sequence change replaces alanine, which is neutral and non-polar, with proline, which is neutral and non-polar, at codon 842 of the SCN11A protein (p.Ala842Pro). This variant is present in population databases (no rsID available, gnomAD 0.003%). This missense change has been observed in individual(s) with clinical features of SCN11A-related conditions (PMID: 24776970, 30554136). ClinVar contains an entry for this variant (Variation ID: 637859). Advanced modeling of protein sequence and biophysical properties (such as structural, functional, and spatial information, amino acid conservation, physicochemical variation, residue mobility, and thermodynamic stability) performed at Invitae indicates that this missense variant is expected to disrupt SCN11A protein function with a positive predictive value of 80%. Experimental studies have shown that this missense change affects SCN11A function (PMID: 29213238). In summary, the available evidence is currently insufficient to determine the role of this variant in disease. Therefore, it has been classified as a Variant of Uncertain Significance.

Inherited Neuropathy Consortium
Classification: Uncertain significance for Charcot-Marie-Tooth disease. Review status: no assertion criteria provided. Collection method: literature only. Allele origin: germline. Affected: yes. Not counted in ClinVar's aggregate classification.

Literature cited by the submitters: PubMed 24776970 (cited by Labcorp Genetics (formerly Invitae), Labcorp and Inherited Neuropathy Consortium); PubMed 30554136 (cited by Labcorp Genetics (formerly Invitae), Labcorp); PubMed 29213238 (cited by Labcorp Genetics (formerly Invitae), Labcorp).

NM_001349253.2(SCN11A):c.2524G>C (p.Ala842Pro)

Gene: SCN11A (sodium voltage-gated channel alpha subunit 11; minus strand). Cytogenetic location: 3p22.2.
Variant type: single nucleotide variant.
Coding change: c.2524G>C on transcript NM_001349253.2 (MANE Select); coding-DNA position 2524, G replaced by C.
Protein change: p.Ala842Pro; replaces alanine 842 with proline.
Molecular consequence: missense variant.
Genome position (GRCh38, 1-based): chr3:38,894,844, C>G on the plus strand (G>C on the coding strand, the complement: SCN11A is on the minus strand). VCF-style: chr3-38894844-C-G. GRCh37 (hg19) VCF-style: chr3-38936335-C-G.
Other names: c.2524G>C, p.Ala842Pro (NM_014139.3); short protein forms A842P.
Identifiers: ClinVar variation 637859 (VCV000637859.3), dbSNP rs1373209779, ClinGen allele CA352174963.